The following is an entry in ClinVar:

ClinVar aggregate classification (germline): Uncertain significance (1 of 4 stars; one submission).

Conditions:
Chédiak-Higashi syndrome (CHS). Also called: Chediak-Higashi Syndrome. Identifiers: Orphanet 167, MedGen C0007965, MONDO:0008963, OMIM 214500.

Submission:

Labcorp Genetics (formerly Invitae), Labcorp
Classification: Uncertain significance for Chédiak-Higashi syndrome. Last evaluated: 2022-05-15. Review status: criteria provided, single submitter. Criteria: Invitae Variant Classification Sherloc (09022015). Collection method: clinical testing. Allele origin: germline.
Comment: In summary, the available evidence is currently insufficient to determine the role of this variant in disease. Therefore, it has been classified as a Variant of Uncertain Significance. Experimental studies and prediction algorithms are not available or were not evaluated, and the functional significance of this variant is currently unknown. This variant has not been reported in the literature in individuals affected with LYST-related conditions. This variant is not present in population databases (gnomAD no frequency). This variant, c.1339_1341del, results in the deletion of 1 amino acid(s) of the LYST protein (p.Thr447del), but otherwise preserves the integrity of the reading frame.

NM_000081.4(LYST):c.1339_1341del (p.Thr447del)

Gene: LYST (lysosomal trafficking regulator; minus strand). Cytogenetic location: 1q42.3.
Variant type: Deletion.
Coding change: c.1339_1341del on transcript NM_000081.4 (MANE Select); coding-DNA positions 1339 to 1341, 3 bases deleted (ACA; older notation c.1339_1341delACA).
Protein change: p.Thr447del; deletes threonine 447.
Molecular consequence: inframe deletion.
Genome position (GRCh38, 1-based): chr1:235,809,477-235,809,479, TGT deleted on the plus strand (ACA on the coding strand, the reverse complement: LYST is on the minus strand); deleting any 3 consecutive bases within chr1:235,809,477-235,809,480 gives the same sequence; the c. name uses the placement nearest the transcript's 3' end. VCF-style (leftmost placement, unchanged base first): chr1-235809476-CTGT-C. GRCh37 (hg19) VCF-style: chr1-235972776-CTGT-C.
Other names: c.1339_1341del, p.Thr447del (NM_001301365.1); short protein forms T447del.
Identifiers: ClinVar variation 2050990 (VCV002050990.4), dbSNP rs2527116670, ClinGen allele CA2580062328.